The following is an entry in ClinVar:

ClinVar aggregate classification (germline): Likely pathogenic (1 of 4 stars; one submission).

Conditions:
Immunodeficiency due to ficolin3 deficiency. Also called: FICOLIN 3 DEFICIENCY; FCN3 DEFICIENCY; LECTIN COMPLEMENT ACTIVATION PATHWAY, DEFECT IN, 3. Identifiers: Orphanet 331190, MedGen C3151226, MONDO:0013467, OMIM 613860.

Submission:

Variantyx, Inc.
Classification: Likely pathogenic for Immunodeficiency due to ficolin3 deficiency. Last evaluated: 2026-01-12. Review status: criteria provided, single submitter. Criteria: Variantyx Assertion Criteria 2022. Collection method: clinical testing. Allele origin: germline. Inheritance: Autosomal recessive inheritance.
Comment: This is a frameshift variant in the FCN3 gene (OMIM: 604973). Pathogenic variants in this gene have been associated with autosomal recessive ficolin-3 deficiency. This variant introduces a premature termination codon in exon 3 out of 8 and is expected to result in loss of function, which is a known disease mechanism for FCN3 in this disorder (PMID: 20971976, 19535802)(PVS1). This variant is absent from control populations (PM2) and it has not been reported in individuals with FCN3-related disorders in the databases available for review. Based on the current evidence, this variant is classified as likely pathogenic for autosomal recessive ficolin-3 deficiency.

Literature cited by the submitters: PubMed 20971976; PubMed 19535802.

NM_003665.4(FCN3):c.219del (p.Lys74fs)

Gene: FCN3 (ficolin 3; minus strand). Cytogenetic location: 1p36.11.
Variant type: Deletion.
Coding change: c.219del on transcript NM_003665.4 (MANE Select); coding-DNA position 219, one base deleted (C; older notation c.219delC).
Protein change: p.Lys74fs; shifts the reading frame from lysine 74.
Molecular consequence: frameshift variant.
Genome position (GRCh38, 1-based): chr1:27,373,978, G deleted on the plus strand (C on the coding strand, the reverse complement: FCN3 is on the minus strand); the first of 4 consecutive G bases (chr1:27,373,978-27,373,981); deleting any one gives the same sequence. VCF-style (leftmost placement, unchanged base first): chr1-27373977-TG-T. GRCh37 (hg19) VCF-style: chr1-27700468-TG-T.
Other names: c.219del, p.Lys74fs (NM_173452.3); short protein forms K74fs.
Identifiers: ClinVar variation 4813073 (VCV004813073.1).